The following is an entry in ClinVar:

ClinVar aggregate classification (germline): Uncertain significance (1 of 4 stars; one submission).

Conditions:
Hyperimmunoglobulin D with periodic fever (HIDS). Also called: Hyperimmunoglobulinemia D; HYPERIMMUNOGLOBULINEMIA D AND PERIODIC FEVER SYNDROME; Hyperimmunoglobulinemia D with periodic fever. Identifiers: Orphanet 343, MedGen C0398691, MONDO:0009849, OMIM 260920.
Porokeratosis 3, disseminated superficial actinic type (POROK3). Also called: POROKERATOSIS, DISSEMINATED SUPERFICIAL ACTINIC, 1; POROKERATOSIS 3, MULTIPLE TYPES; POROKERATOSIS 3, MIBELLI TYPE. Identifiers: MedGen C1867981, MONDO:0008293, OMIM 175900.
Mevalonic aciduria (MEVA). Identifiers: Orphanet 29, MedGen C1959626, MONDO:0012481, OMIM 610377.

Submission:

Labcorp Genetics (formerly Invitae), Labcorp
Classification: Uncertain significance for Mevalonic aciduria; Hyperimmunoglobulin D with periodic fever; Porokeratosis 3, disseminated superficial actinic type. Last evaluated: 2023-04-17. Review status: criteria provided, single submitter. Criteria: Invitae Variant Classification Sherloc (09022015). Collection method: clinical testing. Allele origin: germline.
Comment: In summary, the available evidence is currently insufficient to determine the role of this variant in disease. Therefore, it has been classified as a Variant of Uncertain Significance. Advanced modeling of protein sequence and biophysical properties (such as structural, functional, and spatial information, amino acid conservation, physicochemical variation, residue mobility, and thermodynamic stability) performed at Invitae indicates that this missense variant is expected to disrupt MVK protein function. This variant has not been reported in the literature in individuals affected with MVK-related conditions. This variant is not present in population databases (gnomAD no frequency). This sequence change replaces cysteine, which is neutral and slightly polar, with tyrosine, which is neutral and polar, at codon 275 of the MVK protein (p.Cys275Tyr).

NM_000431.4(MVK):c.824G>A (p.Cys275Tyr)

Gene: MVK (mevalonate kinase; plus strand). Cytogenetic location: 12q24.11.
Variant type: single nucleotide variant.
Coding change: c.824G>A on transcript NM_000431.4 (MANE Select); coding-DNA position 824, G replaced by A.
Protein change: p.Cys275Tyr; replaces cysteine 275 with tyrosine.
Molecular consequence: missense variant. On other transcripts: non-coding transcript variant (4).
Genome position (GRCh38, 1-based): chr12:109,591,296, G>A. VCF-style: chr12-109591296-G-A. GRCh37 (hg19) VCF-style: chr12-110029101-G-A.
Other names: c.242G>A, p.Cys81Tyr (NM_001414515.1); c.824G>A, p.Cys275Tyr (NM_001114185.3, NM_001414511.1, NM_001414513.1); c.668G>A, p.Cys223Tyr (NM_001301182.2, NM_001414514.1); c.899G>A, p.Cys300Tyr (NM_001414512.1); short protein forms C81Y, C275Y, C223Y, C300Y.
Identifiers: ClinVar variation 2937921 (VCV002937921.3), dbSNP rs2548637357, ClinGen allele CA386649411.